The following is an entry in ClinVar:

NM_015726.4(DCAF8):c.313GAGGAAGAAGAG[1] (p.Glu109_Glu112del)

Gene: DCAF8 (DDB1 and CUL4 associated factor 8; minus strand). Cytogenetic location: 1q23.2.
Variant type: Microsatellite.
Coding change: c.313GAGGAAGAAGAG[1] on transcript NM_015726.4 (MANE Select); one copy of the 12-base unit GAGGAAGAAGAG starting at c.313; the reference has two copies in a row; one copy, 12 bases deleted.
Protein change: p.Glu109_Glu112del.
Molecular consequence: inframe deletion. On other transcripts: non-coding transcript variant (4).
Genome position (GRCh38, 1-based): chr1:160,240,084-160,240,095, CTCTTCTTCCTC deleted on the plus strand (GAGGAAGAAGAG on the coding strand, the reverse complement: DCAF8 is on the minus strand); deleting any 12 consecutive bases within chr1:160,240,084-160,240,113 gives the same sequence; the position shown is the placement nearest the transcript's 3' end. VCF-style (leftmost placement, unchanged base first): chr1-160240083-GCTCTTCTTCCTC-G. GRCh37 (hg19) VCF-style: chr1-160209873-GCTCTTCTTCCTC-G.
Other names: c.325_336del12 (NM_015726.3).
Identifiers: ClinVar variation 774585 (VCV000774585.5), dbSNP rs199748027, ClinGen allele CA1196977.

ClinVar aggregate classification (germline): Benign. Review status: criteria provided, multiple submitters, no conflicts (2 of 4 stars). 2 submissions from 2 submitters: Benign (2). Last evaluated 2025-10-21.

Conditions:
DCAF8-related disorder. Also called: DCAF8-related condition.

Submissions (2):

PreventionGenetics, part of Exact Sciences
Classification: Benign for DCAF8-related condition. Last evaluated: 2025-10-21. Review status: criteria provided, single submitter. Criteria: ACMG Guidelines, 2015. Collection method: clinical testing. Allele origin: germline.
Comment: This variant is classified as benign based on ACMG/AMP sequence variant interpretation guidelines (Richards et al. 2015 PMID: 25741868, with internal and published modifications).

Labcorp Genetics (formerly Invitae), Labcorp
Classification: Benign. Last evaluated: 2019-12-31. Review status: criteria provided, single submitter. Criteria: Invitae Variant Classification Sherloc (09022015). Collection method: clinical testing. Allele origin: germline.